The following is an entry in ClinVar:

ClinVar aggregate classification (germline): Uncertain significance (1 of 4 stars; one submission).

Submission:

Labcorp Genetics (formerly Invitae), Labcorp
Classification: Uncertain significance. Last evaluated: 2019-11-07. Review status: criteria provided, single submitter. Criteria: Invitae Variant Classification Sherloc (09022015). Collection method: clinical testing. Allele origin: germline.
Comment: This sequence change affects codon 378 of the FSCN2 mRNA. It is a 'silent' change, meaning that it does not change the encoded amino acid sequence of the FSCN2 protein. This variant is not present in population databases (ExAC no frequency). This variant has not been reported in the literature in individuals with FSCN2-related conditions. Algorithms developed to predict the effect of sequence changes on RNA splicing suggest that this variant may create or strengthen a splice site, but this prediction has not been confirmed by published transcriptional studies. In summary, the available evidence is currently insufficient to determine the role of this variant in disease. Therefore, it has been classified as a Variant of Uncertain Significance.

NM_012418.4(FSCN2):c.1106-44G>T

Gene: FSCN2 (fascin actin-bundling protein 2, retinal; plus strand). Cytogenetic location: 17q25.3.
Variant type: single nucleotide variant.
Coding change: c.1106-44G>T on transcript NM_012418.4 (MANE Select); 44 bases into the intron before coding-DNA position 1106, G replaced by T.
Molecular consequence: intron variant. On other transcripts: synonymous variant (1).
Genome position (GRCh38, 1-based): chr17:81,536,578, G>T. VCF-style: chr17-81536578-G-T. GRCh37 (hg19) VCF-style: chr17-79503604-G-T.
Other names: c.1134G>T, p.Gly378= (NM_001077182.3).
Identifiers: ClinVar variation 958184 (VCV000958184.9), dbSNP rs2032884852, ClinGen allele CA502419809.